The following is an entry in ClinVar:

ClinVar aggregate classification (germline): Benign. Review status: criteria provided, multiple submitters, no conflicts (2 of 4 stars). 3 submissions from 3 submitters: Benign (2). 1 of the submissions does not count toward it. Last evaluated 2021-05-05.

Conditions:
STK36-related disorder. Also called: STK36-related condition.

Allele frequency attached by ClinVar (database versions not stated): gnomAD exomes 0.01001; gnomAD 0.07377 and 0.07858; 1000 Genomes Project 0.08187; TOPMed 0.08315; ESP Exome Variant Server 0.08465; 1000 Genomes Project 30x 0.08604.
gnomAD v4.1: 26,548 of 1,611,820 alleles (1.6%); highest among the groups gnomAD compares: African/African-American, 25%; 2,476 homozygotes.

Submissions (3):

GeneDx
Classification: Benign. Last evaluated: 2021-05-05. Review status: criteria provided, single submitter. Criteria: GeneDx Variant Classification Process June 2021. Collection method: clinical testing. Allele origin: germline. Affected: yes.

Breakthrough Genomics
Classification: Benign. Review status: criteria provided, single submitter. Criteria: ACMG Guidelines, 2015. Collection method: not provided. Allele origin: germline. Inheritance: Autosomal recessive inheritance. Affected: yes.

PreventionGenetics, part of Exact Sciences
Classification: Benign for STK36-related condition. Last evaluated: 2019-11-25. Review status: no assertion criteria provided. Collection method: clinical testing. Allele origin: germline. Not counted in ClinVar's aggregate classification.
Comment: This variant is classified as benign based on ACMG/AMP sequence variant interpretation guidelines (Richards et al. 2015 PMID: 25741868, with internal and published modifications).

NM_015690.5(STK36):c.2754T>C (p.Ser918=)

Gene: STK36 (serine/threonine kinase 36; plus strand). Cytogenetic location: 2q35.
Variant type: single nucleotide variant.
Coding change: c.2754T>C on transcript NM_015690.5 (MANE Select); coding-DNA position 2754, T replaced by C.
Protein change: p.Ser918=; no amino-acid change (serine 918 retained).
Molecular consequence: synonymous variant.
Genome position (GRCh38, 1-based): chr2:218,697,206, T>C. VCF-style: chr2-218697206-T-C. GRCh37 (hg19) VCF-style: chr2-219561929-T-C.
Other names: c.2691T>C, p.Ser897= (NM_001243313.2); c.2754T>C, p.Ser918= (NM_001369423.1).
Identifiers: ClinVar variation 1264307 (VCV001264307.5), dbSNP rs56148168, ClinGen allele CA2111244.
Genomic context (GRCh38, chr2:218,697,206, plus strand): 5'-GGAAGGGGAGCTTTCGCTATCCAGTCCACCAAGCCCTGAGCCAGACTGGACACTGATTTC[T>C]CCCCAGGGTATCTTTCTATCAGTATCCTTTTTGGGAGTGCATTGATCTCTCTTCAAGAGG-3'
Protein context (NP_056505.2, residues 908-928): PSPEPDWTLI[Ser918=]PQGMAALLSL